The following is an entry in ClinVar:

NM_032444.4(SLX4):c.5239G>A (p.Val1747Met)

Gene: SLX4 (SLX4 structure-specific endonuclease subunit; minus strand). Cytogenetic location: 16p13.3.
Variant type: single nucleotide variant.
Coding change: c.5239G>A on transcript NM_032444.4 (MANE Select); coding-DNA position 5239, G replaced by A.
Protein change: p.Val1747Met; replaces valine 1747 with methionine.
Molecular consequence: missense variant.
Genome position (GRCh38, 1-based): chr16:3,582,608, C>T on the plus strand (G>A on the coding strand, the complement: SLX4 is on the minus strand). VCF-style: chr16-3582608-C-T. GRCh37 (hg19) VCF-style: chr16-3632609-C-T.
Other names: short protein forms V1747M.
Identifiers: ClinVar variation 2178707 (VCV002178707.5), dbSNP rs201214017, ClinGen allele CA276952057.
Genomic context (GRCh38, chr16:3,582,608, plus strand): 5'-ACAGGGCCGGCTTGGAGCGGATGTAGCACCTCAGCGCCTCGTCTGTGTCCGCCGCCTGCA[C>T]GGCTGCCTGCGAGGCACTGACCTCCCCCTCGCCCTCCTCTTCACCTGCAGACTCAAATGC-3'
Protein context (NP_115820.2, residues 1737-1757): EGEVSASQAA[Val1747Met]QAADTDEALR

ClinVar aggregate classification (germline): Uncertain significance. Review status: criteria provided, multiple submitters, no conflicts (2 of 4 stars). 2 submissions from 2 submitters: Uncertain significance (2). Last evaluated 2024-10-31.

Conditions:
Fanconi anemia complementation group P. Also called: SLX4-Related Fanconi Anemia. Identifiers: Orphanet 84, MedGen C3469542, MONDO:0013499, OMIM 613951.
Fanconi anemia (FA). Also called: Fanconi's anemia. Identifiers: Orphanet 84, MedGen C0015625, MeSH D005199, MONDO:0019391.

Allele frequency attached by ClinVar (database versions not stated): TOPMed 0.00002; gnomAD 0.00005; 1000 Genomes Project 30x 0.00016; 1000 Genomes Project 0.00020.
gnomAD v4.1: 30 of 1,613,588 alleles (0.0019%); highest among the groups gnomAD compares: Admixed American, 0.012%; no homozygotes.

Submissions (2):

Labcorp Genetics (formerly Invitae), Labcorp
Classification: Uncertain significance for Fanconi anemia. Last evaluated: 2024-10-31. Review status: criteria provided, single submitter. Criteria: Invitae Variant Classification Sherloc (09022015). Collection method: clinical testing. Allele origin: germline.
Comment: This sequence change replaces valine, which is neutral and non-polar, with methionine, which is neutral and non-polar, at codon 1747 of the SLX4 protein (p.Val1747Met). This variant is present in population databases (rs201214017, gnomAD 0.01%). This variant has not been reported in the literature in individuals affected with SLX4-related conditions. ClinVar contains an entry for this variant (Variation ID: 2178707). An algorithm developed to predict the effect of missense changes on protein structure and function outputs the following: PolyPhen-2: "Benign". The methionine amino acid residue is found in multiple mammalian species, which suggests that this missense change does not adversely affect protein function. In summary, the available evidence is currently insufficient to determine the role of this variant in disease. Therefore, it has been classified as a Variant of Uncertain Significance.

Fulgent Genetics
Classification: Uncertain significance for Fanconi anemia complementation group P. Last evaluated: 2024-06-12. Review status: criteria provided, single submitter. Criteria: ACMG Guidelines, 2015. Collection method: clinical testing. Allele origin: germline.